The following is an entry in ClinVar:

NM_017950.4(CCDC40):c.3266C>A (p.Ser1089Tyr)

Gene: CCDC40 (coiled-coil domain 40 molecular ruler complex subunit; plus strand). Cytogenetic location: 17q25.3.
Variant type: single nucleotide variant.
Coding change: c.3266C>A on transcript NM_017950.4 (MANE Select); coding-DNA position 3266, C replaced by A.
Protein change: p.Ser1089Tyr; replaces serine 1089 with tyrosine.
Molecular consequence: missense variant.
Genome position (GRCh38, 1-based): chr17:80,099,612, C>A. VCF-style: chr17-80099612-C-A. GRCh37 (hg19) VCF-style: chr17-78073411-C-A.
Other names: short protein forms S1089Y.
Identifiers: ClinVar variation 575604 (VCV000575604.9), dbSNP rs762447884, ClinGen allele CA401357467.

ClinVar aggregate classification (germline): Uncertain significance (1 of 4 stars; one submission).

Conditions:
Primary ciliary dyskinesia. Also called: Ciliary dyskinesia. Identifiers: Orphanet 244, MedGen C0008780, MONDO:0016575, HP:0012265.

Submission:

Labcorp Genetics (formerly Invitae), Labcorp
Classification: Uncertain significance for Primary ciliary dyskinesia. Last evaluated: 2018-06-06. Review status: criteria provided, single submitter. Criteria: Invitae Variant Classification Sherloc (09022015). Collection method: clinical testing. Allele origin: germline.
Comment: This sequence change replaces serine with tyrosine at codon 1089 of the CCDC40 protein (p.Ser1089Tyr). The serine residue is moderately conserved and there is a large physicochemical difference between serine and tyrosine. This variant is not present in population databases (ExAC no frequency). This variant has not been reported in the literature in individuals with CCDC40-related disease. Algorithms developed to predict the effect of missense changes on protein structure and function are either unavailable or do not agree on the potential impact of this missense change (SIFT: "Deleterious"; PolyPhen-2: "Probably Damaging"; Align-GVGD: "Class C0"). In summary, the available evidence is currently insufficient to determine the role of this variant in disease. Therefore, it has been classified as a Variant of Uncertain Significance.